The following is an entry in ClinVar:

ClinVar aggregate classification (germline): Uncertain significance (1 of 4 stars; one submission).

Conditions:
Hereditary cancer-predisposing syndrome. Also called: Neoplastic Syndromes, Hereditary; Tumor predisposition; Hereditary Cancer Syndrome; Hereditary neoplastic syndrome. Identifiers: Orphanet 140162, MedGen C0027672, MeSH D009386, MONDO:0015356.

Allele frequency attached by ClinVar (database versions not stated): ExAC 0.00001.
gnomAD v4.1: 2 of 1,600,458 alleles (0.00012%); highest among the groups gnomAD compares: East Asian, 0.0022%; no homozygotes.

Submission:

Ambry Genetics
Classification: Uncertain significance for Hereditary cancer-predisposing syndrome. Last evaluated: 2021-06-21. Review status: criteria provided, single submitter. Criteria: Ambry Variant Classification Scheme 2023. Collection method: clinical testing. Allele origin: germline.
Comment: The p.V277I variant (also known as c.829G>A), located in coding exon 3 of the XRCC2 gene, results from a G to A substitution at nucleotide position 829. The valine at codon 277 is replaced by isoleucine, an amino acid with highly similar properties. This amino acid position is well conserved in available vertebrate species. In addition, this alteration is predicted to be tolerated by in silico analysis. Since supporting evidence is limited at this time, the clinical significance of this alteration remains unclear.

NM_005431.2(XRCC2):c.829G>A (p.Val277Ile)

Gene: XRCC2 (X-ray repair cross complementing 2; minus strand). Cytogenetic location: 7q36.1.
Variant type: single nucleotide variant.
Coding change: c.829G>A on transcript NM_005431.2 (MANE Select); coding-DNA position 829, G replaced by A.
Protein change: p.Val277Ile; replaces valine 277 with isoleucine.
Molecular consequence: missense variant.
Genome position (GRCh38, 1-based): chr7:152,648,656, C>T on the plus strand (G>A on the coding strand, the complement: XRCC2 is on the minus strand). VCF-style: chr7-152648656-C-T. GRCh37 (hg19) VCF-style: chr7-152345741-C-T.
Other names: short protein forms V277I.
Identifiers: ClinVar variation 1762797 (VCV001762797.2), dbSNP rs745877163, ClinGen allele CA4582286.
Genomic context (GRCh38, chr7:152,648,656, plus strand): 5'-TTAAGGCTTGCGTAGTACCCTGCAAAAGACTATTTTATGATGTATATCAACAAAATTCAA[C>T]CCCACTTTCTCCAATAATAAAAAAATGTTTTTTTAAACTGTTACTTTTTAAACAACGTGA-3'
Protein context (NP_005422.1, residues 267-280): KHFFIIGESG[Val277Ile]EFC